The following is an entry in ClinVar:

ClinVar aggregate classification (germline): Benign (0 of 4 stars; one submission).

Conditions:
AKAP10-related disorder. Also called: AKAP10-related condition.

Allele frequency attached by ClinVar (database versions not stated): gnomAD 0.01823; 1000 Genomes Project 0.02256; ESP Exome Variant Server 0.02276; 1000 Genomes Project 30x 0.02420.
gnomAD v4.1: 5,302 of 1,614,032 alleles (0.33%); highest among the groups gnomAD compares: African/African-American, 6.4%; 179 homozygotes.

Submission:

PreventionGenetics, part of Exact Sciences
Classification: Benign for AKAP10-related condition. Last evaluated: 2019-11-20. Review status: no assertion criteria provided. Collection method: clinical testing. Allele origin: germline.
Comment: This variant is classified as benign based on ACMG/AMP sequence variant interpretation guidelines (Richards et al. 2015 PMID: 25741868, with internal and published modifications).

NM_007202.4(AKAP10):c.1568C>T (p.Ser523Leu)

Gene: AKAP10 (A-kinase anchoring protein 10; minus strand). Cytogenetic location: 17p11.2.
Variant type: single nucleotide variant.
Coding change: c.1568C>T on transcript NM_007202.4 (MANE Select); coding-DNA position 1568, C replaced by T.
Protein change: p.Ser523Leu; replaces serine 523 with leucine.
Molecular consequence: missense variant. On other transcripts: intron variant (1).
Genome position (GRCh38, 1-based): chr17:19,931,878, G>A on the plus strand (C>T on the coding strand, the complement: AKAP10 is on the minus strand). VCF-style: chr17-19931878-G-A. GRCh37 (hg19) VCF-style: chr17-19835191-G-A.
Other names: c.1467+4408C>T (NM_001330152.2); short protein forms S523L.
Identifiers: ClinVar variation 3041825 (VCV003041825.2), dbSNP rs11870360, ClinGen allele CA8445761.
Genomic context (GRCh38, chr17:19,931,878, plus strand): 5'-CTGTCAGAACTCCCTGGGTGAGACTCATCAGGAGGGCCAACAGAGCCAGGAGCAGTCAGC[G>A]ACACGTTCCCGCCCAGAAATTCATCTCCTCGAACCGAATGGATGAGATCATTCAAATATT-3'
Protein context (NP_009133.2, residues 513-533): RGDEFLGGNV[Ser523Leu]LTAPGSVGPP